The following is an entry in ClinVar:

NM_012183.3(FOXD3):c.720C>T (p.His240=)

Genes: FOXD3 (forkhead box D3; plus strand), FOXD3-AS1 (FOXD3 antisense RNA 1; minus strand). Cytogenetic location: 1p31.3.
Variant type: single nucleotide variant.
Coding change: c.720C>T on transcript NM_012183.3 (MANE Select); coding-DNA position 720, C replaced by T.
Protein change: p.His240=; no amino-acid change (histidine 240 retained).
Molecular consequence: synonymous variant.
Genome position (GRCh38, 1-based): chr1:63,323,778, C>T. VCF-style: chr1-63323778-C-T. GRCh37 (hg19) VCF-style: chr1-63789449-C-T.
Identifiers: ClinVar variation 3058097 (VCV003058097.2), dbSNP rs2523550402, ClinGen allele CA418211744.
Genomic context (GRCh38, chr1:63,323,778, plus strand): 5'-GTCCGAGGACATGTTCGACAACGGCAGCTTCCTGCGGCGCCGGAAACGCTTCAAGCGCCA[C>T]CAGCAGGAGCACCTGCGCGAGCAGACGGCGCTCATGATGCAGAGCTTCGGCGCTTACAGC-3'
Protein context (NP_036315.1, residues 230-250): FLRRRKRFKR[His240=]QQEHLREQTA

ClinVar aggregate classification (germline): Likely benign (0 of 4 stars; one submission).

Conditions:
FOXD3-related disorder. Also called: FOXD3-related condition.

Allele frequency attached by ClinVar (database versions not stated): gnomAD exomes 0.00001.

Submission:

PreventionGenetics, part of Exact Sciences
Classification: Likely benign for FOXD3-related condition. Last evaluated: 2019-03-27. Review status: no assertion criteria provided. Collection method: clinical testing. Allele origin: germline.
Comment: This variant is classified as likely benign based on ACMG/AMP sequence variant interpretation guidelines (Richards et al. 2015 PMID: 25741868, with internal and published modifications).